The following is an entry in ClinVar:

ClinVar aggregate classification (germline): Uncertain significance (1 of 4 stars; one submission).

Conditions:
Cardiovascular phenotype. Identifiers: MedGen CN230736.

Submission:

Ambry Genetics
Classification: Uncertain significance for Cardiovascular phenotype. Last evaluated: 2026-06-12. Review status: criteria provided, single submitter. Criteria: Ambry Variant Classification Scheme 2023. Collection method: clinical testing. Allele origin: germline.
Comment: The p.D526G variant (also known as c.1577A>G), located in coding exon 11 of the TRPM4 gene, results from an A to G substitution at nucleotide position 1577. The aspartic acid at codon 526 is replaced by glycine, an amino acid with similar properties. This amino acid position is conserved. In addition, this alteration is predicted to be tolerated by in silico analysis. Based on the available evidence, the clinical significance of this variant remains unclear.

NM_017636.4(TRPM4):c.1577A>G (p.Asp526Gly)

Gene: TRPM4 (transient receptor potential cation channel subfamily M member 4; plus strand). Cytogenetic location: 19q13.33.
Variant type: single nucleotide variant.
Coding change: c.1577A>G on transcript NM_017636.4 (MANE Select); coding-DNA position 1577, A replaced by G.
Protein change: p.Asp526Gly; replaces aspartic acid 526 with glycine.
Molecular consequence: missense variant. On other transcripts: intron variant (1).
Genome position (GRCh38, 1-based): chr19:49,182,891, A>G. VCF-style: chr19-49182891-A-G. GRCh37 (hg19) VCF-style: chr19-49686148-A-G.
Other names: c.1577A>G, p.Asp526Gly (NM_001195227.2); c.1232A>G, p.Asp411Gly (NM_001321281.2); c.1055A>G, p.Asp352Gly (NM_001321283.2); c.515A>G, p.Asp172Gly (NM_001321285.2); c.-1+24A>G (NM_001321282.2); short protein forms D172G, D352G, D411G, D526G.
Identifiers: ClinVar variation 4865984 (VCV004865984.1).
Genomic context (GRCh38, chr19:49,182,891, plus strand): 5'-TGCTGAGGATGCTGCTGGGGAAGATGTGCGCGCCGAGGTACCCCTCCGGGGGCGCCTGGG[A>G]CCCTCACCCAGGCCAGGGCTTCGGGGAGAGCGTAAGGACCGGGCAAAGCTGGGGGGCCCC-3'
Protein context (NP_060106.2, residues 516-536): APRYPSGGAW[Asp526Gly]PHPGQGFGES